The following is an entry in ClinVar:

ClinVar aggregate classification (germline): Uncertain significance (1 of 4 stars; one submission).

gnomAD v4.1: 2 of 1,614,130 alleles (0.00012%); highest among the groups gnomAD compares: Admixed American, 0.0033%; no homozygotes.

Submission:

CeGaT Center for Human Genetics Tuebingen
Classification: Uncertain significance. Last evaluated: 2026-07-01. Review status: criteria provided, single submitter. Criteria: CeGaT Center For Human Genetics Tuebingen Variant Classification Criteria Version 2. Collection method: clinical testing. Allele origin: germline. Affected: yes. Observed: 1 variant allele.
Comment: KAT6A: PM2

NM_006766.5(KAT6A):c.4468C>G (p.Pro1490Ala)

Gene: KAT6A (lysine acetyltransferase 6A; minus strand). Cytogenetic location: 8p11.21.
Variant type: single nucleotide variant.
Coding change: c.4468C>G on transcript NM_006766.5 (MANE Select); coding-DNA position 4468, C replaced by G.
Protein change: p.Pro1490Ala; replaces proline 1490 with alanine.
Molecular consequence: missense variant.
Genome position (GRCh38, 1-based): chr8:41,933,752, G>C on the plus strand (C>G on the coding strand, the complement: KAT6A is on the minus strand). VCF-style: chr8-41933752-G-C. GRCh37 (hg19) VCF-style: chr8-41791270-G-C.
Other names: short protein forms P1490A.
Identifiers: ClinVar variation 5040075 (VCV005040075.1).